The following is an entry in ClinVar:

NM_016312.3(WBP11):c.1376C>T (p.Pro459Leu)

Gene: WBP11 (WW domain binding protein 11; minus strand). Cytogenetic location: 12p12.3.
Variant type: single nucleotide variant.
Coding change: c.1376C>T on transcript NM_016312.3 (MANE Select); coding-DNA position 1376, C replaced by T.
Protein change: p.Pro459Leu; replaces proline 459 with leucine.
Molecular consequence: missense variant.
Genome position (GRCh38, 1-based): chr12:14,789,067, G>A on the plus strand (C>T on the coding strand, the complement: WBP11 is on the minus strand). VCF-style: chr12-14789067-G-A. GRCh37 (hg19) VCF-style: chr12-14942001-G-A.
Other names: c.1376C>T (NM_016312.2); short protein forms P459L.
Identifiers: ClinVar variation 3769088 (VCV003769088.3).

ClinVar aggregate classification (germline): Uncertain significance. Review status: criteria provided, multiple submitters, no conflicts (2 of 4 stars). 2 submissions from 2 submitters: Uncertain significance (2). Last evaluated 2025-03-03.

Conditions:
Inborn genetic diseases. Identifiers: MedGen C0950123, MeSH D030342.

Submissions (2):

Ambry Genetics
Classification: Uncertain significance for Inborn genetic diseases. Last evaluated: 2025-03-03. Review status: criteria provided, single submitter. Criteria: Ambry Variant Classification Scheme 2023. Collection method: clinical testing. Allele origin: germline.

Women's Health and Genetics/Laboratory Corporation of America, LabCorp
Classification: Uncertain significance. Last evaluated: 2025-01-15. Review status: criteria provided, single submitter. Criteria: LabCorp Variant Classification Summary - May 2015. Collection method: clinical testing. Allele origin: germline.
Comment: Variant summary: WBP11 c.1376C>T (p.Pro459Leu) results in a non-conservative amino acid change in the encoded protein sequence. Four of five in-silico tools predict a damaging effect of the variant on protein function. The frequency data for this variant in gnomAD is considered unreliable, as metrics indicate poor data quality at this position. To our knowledge, no occurrence of c.1376C>T in individuals affected with Vertebral, Cardiac, Tracheoesophageal, Renal, And Limb Defects and no experimental evidence demonstrating its impact on protein function have been reported. No submitters have cited clinical-significance assessments for this variant to ClinVar. Based on the evidence outlined above, the variant was classified as uncertain significance.